The following is an entry in ClinVar:

ClinVar aggregate classification (germline): Uncertain significance. Review status: criteria provided, single submitter (1 of 4 stars). 2 submissions from 2 submitters: Uncertain significance (1). 1 of the submissions does not count toward it. Last evaluated 2025-08-23.

Submissions (2):

Dasa
Classification: Uncertain significance. Last evaluated: 2025-08-23. Review status: criteria provided, single submitter. Criteria: DASA Assertion Criteria. Collection method: clinical testing. Allele origin: germline.
Comment: NM_019597.5(HNRNPH2):c.636G>T (p.Arg212Ser) is a missense variant that results in the substitution of arginine with serine. This variant is absent from population databases. The currently available literature and clinical evidence are not sufficient to establish a definitive association between this variant and the reported condition. Therefore, this variant is classified as a variant of uncertain significance.

Molecular Genetics laboratory, Necker Hospital
Classification: Likely pathogenic. Last evaluated: 2020-04-16. Review status: no assertion criteria provided. Collection method: clinical testing. Allele origin: de novo. Affected: yes. Not counted in ClinVar's aggregate classification.

NM_019597.5(HNRNPH2):c.636G>T (p.Arg212Ser)

Genes: HNRNPH2 (heterogeneous nuclear ribonucleoprotein H2; plus strand), RPL36A-HNRNPH2 (RPL36A-HNRNPH2 readthrough; plus strand). Cytogenetic location: Xq22.1.
Variant type: single nucleotide variant.
Coding change: c.636G>T on transcript NM_019597.5 (MANE Select); coding-DNA position 636, G replaced by T.
Protein change: p.Arg212Ser; replaces arginine 212 with serine.
Molecular consequence: missense variant. On other transcripts: 3 prime UTR variant (2).
Genome position (GRCh38, 1-based): chrX:101,412,624, G>T. VCF-style: chrX-101412624-G-T. GRCh37 (hg19) VCF-style: chrX-100667612-G-T.
Other names: c.*632G>T (NM_001199973.2, NM_001199974.2); c.636G>T, p.Arg212Ser (NM_001032393.3); short protein forms R212S.
Identifiers: ClinVar variation 2577964 (VCV002577964.3), dbSNP rs2520985089, ClinGen allele CA413942628.
Genomic context (GRCh38, chrX:101,412,624, plus strand): 5'-AACCCACTATGATCCCCCTCGAAAGCTCATGGCTATGCAGCGGCCAGGTCCCTATGATAG[G>T]CCGGGGGCTGGCAGAGGGTATAATAGCATTGGCAGAGGAGCTGGGTTTGAAAGGATGAGG-3'
Protein context (NP_062543.1, residues 202-222): MAMQRPGPYD[Arg212Ser]PGAGRGYNSI